The following is an entry in ClinVar:

NM_000094.4(COL7A1):c.2645C>T (p.Ser882Leu)

Gene: COL7A1 (collagen type VII alpha 1 chain; minus strand). Cytogenetic location: 3p21.31.
Variant type: single nucleotide variant.
Coding change: c.2645C>T on transcript NM_000094.4 (MANE Select); coding-DNA position 2645, C replaced by T.
Protein change: p.Ser882Leu; replaces serine 882 with leucine.
Molecular consequence: missense variant.
Genome position (GRCh38, 1-based): chr3:48,588,347, G>A on the plus strand (C>T on the coding strand, the complement: COL7A1 is on the minus strand). VCF-style: chr3-48588347-G-A. GRCh37 (hg19) VCF-style: chr3-48625780-G-A.
Other names: short protein forms S882L.
Identifiers: ClinVar variation 900943 (VCV000900943.11), dbSNP rs372767169, ClinGen allele CA2380803.

ClinVar aggregate classification (germline): Uncertain significance. Review status: criteria provided, multiple submitters, no conflicts (2 of 4 stars). 4 submissions from 4 submitters: Uncertain significance (4). Last evaluated 2025-11-23.

Conditions:
Epidermolysis bullosa dystrophica. Also called: Dystrophic epidermolysis bullosa, Hallopeau-Siemens type (formerly); Dystrophic epidermolysis bullosa. Identifiers: Orphanet 303, MedGen C0079294, MONDO:0006543.
Inborn genetic diseases. Identifiers: MedGen C0950123, MeSH D030342.

Allele frequency attached by ClinVar (database versions not stated): gnomAD 0.00002 and 0.00003; gnomAD exomes 0.00002 and 0.00007; ExAC 0.00003; TOPMed 0.00003; ESP Exome Variant Server 0.00008.
gnomAD v4.1: 110 of 1,612,538 alleles (0.0068%); highest among the groups gnomAD compares: Non-Finnish European, 0.0089%; no homozygotes.

Submissions (4):

Labcorp Genetics (formerly Invitae), Labcorp
Classification: Uncertain significance. Last evaluated: 2025-11-23. Review status: criteria provided, single submitter. Criteria: Invitae Variant Classification Sherloc (09022015). Collection method: clinical testing. Allele origin: germline.
Comment: This sequence change replaces serine, which is neutral and polar, with leucine, which is neutral and non-polar, at codon 882 of the COL7A1 protein (p.Ser882Leu). This variant is present in population databases (rs372767169, gnomAD 0.005%). This variant has not been reported in the literature in individuals affected with COL7A1-related conditions. ClinVar contains an entry for this variant (Variation ID: 900943). Invitae Evidence Modeling of protein sequence and biophysical properties (such as structural, functional, and spatial information, amino acid conservation, physicochemical variation, residue mobility, and thermodynamic stability) indicates that this missense variant is not expected to disrupt COL7A1 protein function with a negative predictive value of 95%. In summary, the available evidence is currently insufficient to determine the role of this variant in disease. Therefore, it has been classified as a Variant of Uncertain Significance.

Ambry Genetics
Classification: Uncertain significance for Inborn genetic diseases. Last evaluated: 2025-09-24. Review status: criteria provided, single submitter. Criteria: Ambry Variant Classification Scheme 2023. Collection method: clinical testing. Allele origin: germline.

Women's Health and Genetics/Laboratory Corporation of America, LabCorp
Classification: Uncertain significance. Last evaluated: 2024-05-06. Review status: criteria provided, single submitter. Criteria: LabCorp Variant Classification Summary - May 2015. Collection method: clinical testing. Allele origin: germline.

Illumina Laboratory Services, Illumina
Classification: Uncertain significance for Dystrophic epidermolysis bullosa. Last evaluated: 2018-01-13. Review status: criteria provided, single submitter. Criteria: ICSL Variant Classification Criteria 13 December 2019. Collection method: clinical testing. Allele origin: germline.